The following is an entry in ClinVar:

ClinVar aggregate classification (germline): Uncertain significance (1 of 4 stars; one submission).

gnomAD v4.1: 1 of 1,613,796 alleles (0.000062%); highest among the groups gnomAD compares: Non-Finnish European, 0.000085%; no homozygotes.

Submission:

Ambry Genetics
Classification: Uncertain significance. Last evaluated: 2025-12-17. Review status: criteria provided, single submitter. Criteria: Ambry Variant Classification Scheme 2023. Collection method: clinical testing. Allele origin: germline.
Comment: The p.D596N variant (also known as c.1786G>A), located in coding exon 18 of the SRP72 gene, results from a G to A substitution at nucleotide position 1786. The aspartic acid at codon 596 is replaced by asparagine, an amino acid with highly similar properties. This amino acid position is conserved. In addition, this alteration is predicted to be tolerated by in silico analysis. Based on the available evidence, the clinical significance of this variant remains unclear.

NM_006947.4(SRP72):c.1786G>A (p.Asp596Asn)

Gene: SRP72 (signal recognition particle 72; plus strand). Cytogenetic location: 4q12.
Variant type: single nucleotide variant.
Coding change: c.1786G>A on transcript NM_006947.4 (MANE Select); coding-DNA position 1786, G replaced by A.
Protein change: p.Asp596Asn; replaces aspartic acid 596 with asparagine.
Molecular consequence: missense variant. On other transcripts: non-coding transcript variant (1).
Genome position (GRCh38, 1-based): chr4:56,500,643, G>A. VCF-style: chr4-56500643-G-A. GRCh37 (hg19) VCF-style: chr4-57366809-G-A.
Other names: c.1603G>A, p.Asp535Asn (NM_001267722.2); short protein forms D535N, D596N.
Identifiers: ClinVar variation 4841444 (VCV004841444.1).